The following is an entry in ClinVar:

NM_001754.5(RUNX1):c.222del (p.Asp75fs)

Gene: RUNX1 (RUNX family transcription factor 1; minus strand). Cytogenetic location: 21q22.12.
Variant type: Deletion.
Coding change: c.222del on transcript NM_001754.5 (MANE Select); coding-DNA position 222, one base deleted (C; older notation c.222delC).
Protein change: p.Asp75fs; shifts the reading frame from aspartic acid 75.
Molecular consequence: frameshift variant.
Genome position (GRCh38, 1-based): chr21:34,886,972, G deleted on the plus strand (C on the coding strand, the reverse complement: RUNX1 is on the minus strand). VCF-style (leftmost placement, unchanged base first): chr21-34886971-CG-C. GRCh37 (hg19) VCF-style: chr21-36259268-CG-C.
Other names: NM_001754.5(RUNX1):c.222del; p.Asp75fs; c.141del, p.Asp48fs (NM_001001890.3, NM_001122607.2); short protein forms D48fs, D75fs.
Identifiers: ClinVar variation 3775902 (VCV003775902.1).

ClinVar aggregate classification (germline): Pathogenic. Review status: reviewed by expert panel (3 of 4 stars). 2 submissions from 2 submitters: Pathogenic (1). 1 of the submissions does not count toward it. Last evaluated 2025-07-11.

Conditions:
Hereditary thrombocytopenia and hematological cancer predisposition syndrome associated with RUNX1. Also called: RUNX1 Familial Platelet Disorder with Associated Myeloid Malignancies; Familial Platelet Disorder with Propensity to Acute Myelogenous Leukemia; Familial thrombocytopenia with propensity to acute myelogenous leukemia; PLATELET DISORDER, ASPIRIN-LIKE. Identifiers: Orphanet 71290, MedGen C1832388, MeSH C563324, MONDO:0100083, OMIM 601399.
Hereditary thrombocytopenia and hematologic cancer predisposition syndrome. Identifiers: Orphanet 71290, MedGen CN281654, MONDO:0011071.

Submissions (2):

ClinGen Myeloid Malignancy Variant Curation Expert Panel
Classification: Pathogenic for Hereditary thrombocytopenia and hematologic cancer predisposition syndrome. Last evaluated: 2025-07-11. Review status: reviewed by expert panel. Criteria: ClinGen MyeloMalig ACMG Specifications v2. Collection method: curation. Allele origin: germline. Inheritance: Autosomal dominant inheritance.
Comment: NM_001754.5(RUNX1):c.222del (p.Asp75fs) is a frameshift variant which is predicted to undergo nonsense mediated decay in a gene in which loss-of-function is an established mechanism (frameshift (-) c.98-c.758 as per VCEP specifications) (PVS1). This frameshift variant is downstream of c.98 and is completely absent from all population databases with at least 20x coverage for RUNX1 (PM5_supporting, PM2_supporting). In summary, this variant meets criteria to be classified as pathogenic. ACMG/AMP criteria applied, as specified by the Myeloid Malignancy Variant Curation Expert Panel for RUNX1: PVS1, PM5_supporting, PM2_supporting.

3billion
Classification: Likely pathogenic for Hereditary thrombocytopenia and hematological cancer predisposition syndrome associated with RUNX1. Last evaluated: 2023-06-08. Review status: criteria provided, single submitter. Criteria: ACMG Guidelines, 2015. Collection method: clinical testing. Allele origin: germline. Affected: yes. Not counted in ClinVar's aggregate classification.
Comment: The variant is not observed in the gnomAD v2.1.1 dataset. Predicted Consequence/Location: Frameshift: predicted to result in a loss or disruption of normal protein function through nonsense-mediated decay (NMD) or protein truncation. Multiple pathogenic variants are reported downstream of the variant. Therefore, this variant is classified as Likely pathogenic according to the recommendation of ACMG/AMP guideline.